The following is an entry in ClinVar:

ClinVar aggregate classification (germline): Uncertain significance. Review status: criteria provided, multiple submitters, no conflicts (2 of 4 stars). 3 submissions from 3 submitters: Uncertain significance (3). Last evaluated 2024-05-16.

Allele frequency attached by ClinVar (database versions not stated): gnomAD exomes below 0.00001 and 0.00001; gnomAD 0.00001; TOPMed 0.00002.
gnomAD v4.1: 14 of 1,613,540 alleles (0.00087%); highest among the groups gnomAD compares: East Asian, 0.0022%; no homozygotes.

Submissions (3):

Women's Health and Genetics/Laboratory Corporation of America, LabCorp
Classification: Uncertain significance. Last evaluated: 2024-05-16. Review status: criteria provided, single submitter. Criteria: LabCorp Variant Classification Summary - May 2015. Collection method: clinical testing. Allele origin: germline.
Comment: Variant summary: TTN c.13396C>T (p.Arg4466Trp) results in a non-conservative amino acid change located in the I-band region of the encoded protein sequence. One of two in-silico tools predict a benign effect of the variant on protein function. The variant allele was found at a frequency of 4e-06 in 248242 control chromosomes. The available data on variant occurrences in the general population are insufficient to allow any conclusion about variant significance. To our knowledge, no occurrence of c.13396C>T in individuals affected with Limb-Girdle Muscular Dystrophy, Type 2J and no experimental evidence demonstrating its impact on protein function have been reported. ClinVar contains an entry for this variant (Variation ID: 1175984). Based on the evidence outlined above, the variant was classified as uncertain significance.

CeGaT Center for Human Genetics Tuebingen
Classification: Uncertain significance. Last evaluated: 2021-04-01. Review status: criteria provided, single submitter. Criteria: CeGaT Center For Human Genetics Tuebingen Variant Classification Criteria Version 2. Collection method: clinical testing. Allele origin: germline. Affected: yes. Observed: 1 variant allele.

Revvity Omics, Revvity
Classification: Uncertain significance. Last evaluated: 2021-03-26. Review status: criteria provided, single submitter. Criteria: ACMG Guidelines, 2015. Collection method: clinical testing. Allele origin: germline.

NM_001267550.2(TTN):c.17128C>T (p.Arg5710Trp)

Genes: TTN (titin; minus strand), LOC126806431 (CDK7 strongly-dependent group 2 enhancer GRCh37_chr2:179595719-179596918; plus strand). Cytogenetic location: 2q31.2.
Variant type: single nucleotide variant.
Coding change: c.17128C>T on transcript NM_001267550.2 (MANE Select); coding-DNA position 17128, C replaced by T.
Protein change: p.Arg5710Trp; replaces arginine 5710 with tryptophan.
Molecular consequence: missense variant. On other transcripts: intron variant (3).
Genome position (GRCh38, 1-based): chr2:178,731,747, G>A on the plus strand (C>T on the coding strand, the complement: TTN is on the minus strand). VCF-style: chr2-178731747-G-A. GRCh37 (hg19) VCF-style: chr2-179596474-G-A.
Other names: c.16177C>T, p.Arg5393Trp (NM_001256850.1); c.13396C>T, p.Arg4466Trp (NM_133378.4); c.13282+6335C>T (NM_003319.4); c.13858+6335C>T (NM_133437.4); c.13657+6335C>T (NM_133432.3); short protein forms R4466W, R5393W, R5710W.
Identifiers: ClinVar variation 1175984 (VCV001175984.39), dbSNP rs1183941490, ClinGen allele CA349575548.
Genomic context (GRCh38, chr2:178,731,747, plus strand): 5'-ACTAACCTCTTAAAGTCACCCTGGCACTGCAGATGCTGCTGCCCACCTCATTGGTCACCC[G>A]ACACTGGTATTCGCCAGCATCTGCAGCTACAAACTTGAGGATCTGCAGGCTAACCAGATG-3'
Protein context (NP_001254479.2, residues 5700-5720): VAADAGEYQC[Arg5710Trp]VTNEVGSSIC